The following is an entry in ClinVar:

NM_002890.3(RASA1):c.2644C>A (p.Gln882Lys)

Genes: CCNH (cyclin H; minus strand), RASA1 (RAS p21 protein activator 1; plus strand). Cytogenetic location: 5q14.3.
Variant type: single nucleotide variant.
Coding change: c.2644C>A on transcript NM_002890.3 (MANE Select); coding-DNA position 2644, C replaced by A.
Protein change: p.Gln882Lys; replaces glutamine 882 with lysine.
Molecular consequence: missense variant. On other transcripts: intron variant (1).
Genome position (GRCh38, 1-based): chr5:87,380,549, C>A. VCF-style: chr5-87380549-C-A. GRCh37 (hg19) VCF-style: chr5-86676366-C-A.
Other names: c.2113C>A, p.Gln705Lys (NM_022650.3); c.933+14495G>T (NM_001364075.2); short protein forms Q705K, Q882K.
Identifiers: ClinVar variation 3377952 (VCV003377952.1).
Genomic context (GRCh38, chr5:87,380,549, plus strand): 5'-TGATTGTGTTATTTTGGCAGGACATTGAGATATATTTATGGGTGTTTACAGAAATCTGTT[C>A]AGCATAAGTGGCCTACAAATACCACCATGAGAACAAGAGTTGTTAGGTAAGGCTCATCAA-3'
Protein context (NP_002881.1, residues 872-892): YIYGCLQKSV[Gln882Lys]HKWPTNTTMR

ClinVar aggregate classification (germline): Uncertain significance (1 of 4 stars; one submission).

Submission:

GeneDx
Classification: Uncertain significance. Last evaluated: 2024-05-16. Review status: criteria provided, single submitter. Criteria: GeneDx Variant Classification Process June 2021. Collection method: clinical testing. Allele origin: germline. Affected: yes.
Comment: Not observed at significant frequency in large population cohorts (gnomAD); In silico analysis indicates that this missense variant does not alter protein structure/function; In silico analysis is inconclusive as to whether the variant alters gene splicing. In the absence of RNA/functional studies, the actual effect of this sequence change is unknown; Has not been previously published as pathogenic or benign to our knowledge